The following is an entry in ClinVar:

ClinVar aggregate classification (germline): Uncertain significance (1 of 4 stars; one submission).

Conditions:
Emery-Dreifuss muscular dystrophy 4, autosomal dominant (EDMD4). Also called: EMERY-DREIFUSS MUSCULAR DYSTROPHY 4 WITH VARIABLE FEATURES. Identifiers: Orphanet 261, MedGen C2751807, MONDO:0013071, OMIM 612998.
Autosomal recessive ataxia, Beauce type. Also called: SYNE1-Related Autosomal Recessive Cerebellar Ataxia; SYNE1 Deficiency; Spinocerebellar ataxia, autosomal recessive 8; ATAXIA, RECESSIVE, OF BEAUCE. Identifiers: Orphanet 88644, MedGen C1853116, MONDO:0012549, OMIM 610743.

Allele frequency attached by ClinVar (database versions not stated): gnomAD exomes below 0.00001.
gnomAD v4.1: 2 of 1,614,120 alleles (0.00012%); highest among the groups gnomAD compares: Admixed American, 0.0033%; no homozygotes.

Submission:

Labcorp Genetics (formerly Invitae), Labcorp
Classification: Uncertain significance for Emery-Dreifuss muscular dystrophy 4, autosomal dominant; Autosomal recessive ataxia, Beauce type. Last evaluated: 2023-12-11. Review status: criteria provided, single submitter. Criteria: Invitae Variant Classification Sherloc (09022015). Collection method: clinical testing. Allele origin: germline.
Comment: This sequence change replaces leucine, which is neutral and non-polar, with glutamine, which is neutral and polar, at codon 4662 of the SYNE1 protein (p.Leu4662Gln). This variant is present in population databases (no rsID available, gnomAD 0.006%). This variant has not been reported in the literature in individuals affected with SYNE1-related conditions. ClinVar contains an entry for this variant (Variation ID: 1905683). An algorithm developed to predict the effect of missense changes on protein structure and function (PolyPhen-2) suggests that this variant is likely to be disruptive. In summary, the available evidence is currently insufficient to determine the role of this variant in disease. Therefore, it has been classified as a Variant of Uncertain Significance.

NM_182961.4(SYNE1):c.14198T>A (p.Leu4733Gln)

Gene: SYNE1 (spectrin repeat containing nuclear envelope protein 1; minus strand). Cytogenetic location: 6q25.2.
Variant type: single nucleotide variant.
Coding change: c.14198T>A on transcript NM_182961.4 (MANE Select); coding-DNA position 14198, T replaced by A.
Protein change: p.Leu4733Gln; replaces leucine 4733 with glutamine.
Molecular consequence: missense variant.
Genome position (GRCh38, 1-based): chr6:152,330,487, A>T on the plus strand (T>A on the coding strand, the complement: SYNE1 is on the minus strand). VCF-style: chr6-152330487-A-T. GRCh37 (hg19) VCF-style: chr6-152651622-A-T.
Other names: c.13985T>A, p.Leu4662Gln (NM_033071.5); short protein forms L4733Q, L4662Q.
Identifiers: ClinVar variation 1905683 (VCV001905683.5), dbSNP rs1395574348, ClinGen allele CA366098533.